The following is an entry in ClinVar:

ClinVar aggregate classification (germline): Pathogenic. Review status: criteria provided, multiple submitters, no conflicts (2 of 4 stars). 2 submissions from 2 submitters: Pathogenic (2). Last evaluated 2025-01-27.

Conditions:
Bethlem myopathy 1A. Also called: MYOPATHY, BENIGN CONGENITAL, WITH CONTRACTURES; Bethlem Muscular Dystrophy; Bethlem myopathy 1. Identifiers: Orphanet 610, MedGen CN029274, MONDO:0024530, OMIM 158810.

Submissions (2):

Labcorp Genetics (formerly Invitae), Labcorp
Classification: Pathogenic for Bethlem myopathy 1A. Last evaluated: 2025-01-27. Review status: criteria provided, single submitter. Criteria: Invitae Variant Classification Sherloc (09022015). Collection method: clinical testing. Allele origin: germline.
Comment: This sequence change affects a donor splice site in intron 14 of the COL6A1 gene. It is expected to disrupt RNA splicing. Variants that disrupt the donor or acceptor splice site typically lead to a loss of protein function (PMID: 16199547), and loss-of-function variants in COL6A1 are known to be disease-causing for autosomal recessive COL6A1-related conditions (PMID: 21280092, 20976770). However, certain variants affecting donor or acceptor splice sites in the triple helical domain of COL6A1 are expected to result in in-frame exon skipping and have been reported to cause autosomal dominant COL6A1-related conditions (PMID: 18366090). This variant is not present in population databases (gnomAD no frequency). Disruption of this splice site has been observed in individual(s) with clinical features of autosomal dominant COL6A1-related conditions (PMID: 25749816, 29382405). In at least one individual the variant was observed to be de novo. It has also been observed to segregate with disease in related individuals. ClinVar contains an entry for this variant (Variation ID: 1322138). Algorithms developed to predict the effect of sequence changes on RNA splicing suggest that this variant may disrupt the consensus splice site. For these reasons, this variant has been classified as Pathogenic.

Revvity Omics, Revvity
Classification: Pathogenic. Last evaluated: 2019-07-10. Review status: criteria provided, single submitter. Criteria: ACMG Guidelines, 2015. Collection method: clinical testing. Allele origin: germline.

Literature cited by the submitters: PubMed 16199547 (cited by Labcorp Genetics (formerly Invitae), Labcorp); PubMed 21280092 (cited by Labcorp Genetics (formerly Invitae), Labcorp); PubMed 20976770 (cited by Labcorp Genetics (formerly Invitae), Labcorp); PubMed 18366090 (cited by Labcorp Genetics (formerly Invitae), Labcorp); PubMed 25749816 (cited by Labcorp Genetics (formerly Invitae), Labcorp); PubMed 29382405 (cited by Labcorp Genetics (formerly Invitae), Labcorp).

NM_001848.3(COL6A1):c.1056+1G>C

Gene: COL6A1 (collagen type VI alpha 1 chain; plus strand). Cytogenetic location: 21q22.3.
Variant type: single nucleotide variant.
Coding change: c.1056+1G>C on transcript NM_001848.3 (MANE Select); the canonical splice donor site of the intron after coding-DNA position 1056, G replaced by C.
Molecular consequence: splice donor variant.
Genome position (GRCh38, 1-based): chr21:45,990,827, G>C. VCF-style: chr21-45990827-G-C. GRCh37 (hg19) VCF-style: chr21-47410741-G-C.
Identifiers: ClinVar variation 1322138 (VCV001322138.8), dbSNP rs398123631, ClinGen allele CA410523515.